The following is an entry in ClinVar:

NM_001999.4(FBN2):c.8117G>A (p.Cys2706Tyr)

Gene: FBN2 (fibrillin 2; minus strand). Cytogenetic location: 5q23.3.
Variant type: single nucleotide variant.
Coding change: c.8117G>A on transcript NM_001999.4 (MANE Select); coding-DNA position 8117, G replaced by A.
Protein change: p.Cys2706Tyr; replaces cysteine 2706 with tyrosine.
Molecular consequence: missense variant.
Genome position (GRCh38, 1-based): chr5:128,263,500, C>T on the plus strand (G>A on the coding strand, the complement: FBN2 is on the minus strand). VCF-style: chr5-128263500-C-T. GRCh37 (hg19) VCF-style: chr5-127599192-C-T.
Other names: short protein forms C2706Y.
Identifiers: ClinVar variation 1713568 (VCV001713568.6), dbSNP rs1010740898, ClinGen allele CA127005205.

ClinVar aggregate classification (germline): Uncertain significance (1 of 4 stars; one submission).

Conditions:
Congenital contractural arachnodactyly (CCA). Also called: BEALS SYNDROME; Beals-Hecht syndrome; Arthrogryposis, distal, type 9. Identifiers: Orphanet 115, MedGen C0220668, MONDO:0007363, OMIM 121050.

Allele frequency attached by ClinVar (database versions not stated): gnomAD exomes below 0.00001; TOPMed below 0.00001.
gnomAD v4.1: 1 of 1,614,124 alleles (0.000062%); highest among the groups gnomAD compares: Non-Finnish European, 0.000085%; no homozygotes.

Submission:

Labcorp Genetics (formerly Invitae), Labcorp
Classification: Uncertain significance for Congenital contractural arachnodactyly. Last evaluated: 2022-07-23. Review status: criteria provided, single submitter. Criteria: Invitae Variant Classification Sherloc (09022015). Collection method: clinical testing. Allele origin: germline.
Comment: This sequence change replaces cysteine, which is neutral and slightly polar, with tyrosine, which is neutral and polar, at codon 2706 of the FBN2 protein (p.Cys2706Tyr). This variant is not present in population databases (gnomAD no frequency). In summary, the available evidence is currently insufficient to determine the role of this variant in disease. Therefore, it has been classified as a Variant of Uncertain Significance. Advanced modeling of protein sequence and biophysical properties (such as structural, functional, and spatial information, amino acid conservation, physicochemical variation, residue mobility, and thermodynamic stability) performed at Invitae indicates that this missense variant is expected to disrupt FBN2 protein function. This variant has not been reported in the literature in individuals affected with FBN2-related conditions.